The following is an entry in ClinVar:

ClinVar aggregate classification (germline): Pathogenic (3 of 4 stars; one submission).

Conditions:
RPGR-related retinopathy. Also called: RPGR retinopathy. Identifiers: MedGen CN305589, MONDO:0100437.

Submission:

ClinGen X-linked Inherited Retinal Disease Variant Curation Expert Panel, ClinGen
Classification: Pathogenic for RPGR-related retinopathy. Last evaluated: 2026-09-26. Review status: reviewed by expert panel. Criteria: ClinGen X LinkedIRD ACMG Specifications RPGR V1.0.0. Collection method: curation. Allele origin: germline. Inheritance: X-linked inheritance.
Comment: NM_001034853.2(RPGR):c.2923_2924insGAAAGGGG (p.Glu975GlyfsTer?) is a frameshift variant caused by an 8 nucleotide insertion, that introduces a premature stop codon and is predicted to disrupt a critical C-terminal region required for the proper function of RPGR (PVS1, PMID: 36445968). This variant is absent from hemizygous individuals in gnomAD v4.1.1 (PM2_Supporting). At least one proband harboring this variant exhibits a phenotype including 230 gene panel with no alternative explanation (2), cone dystrophy (1), 1st or 2nd decade onset (1), which together are specific for RPGR-related recessive retinopathy (4 points, PMID: 41686256, PP4). In summary, this variant is classified as pathogenic for RPGR-related retinopathy based on the ClinGen X-linked Inherited Retinal Disease Expert Panel Specifications to the ACMG/AMP Variant Interpretation Guidelines for RPGR Version 1.0.0: PSV1, PP4, and PM2_supporting.

NM_001034853.2(RPGR):c.2923_2924insGAAAGGGG (p.Glu975fs)

Gene: RPGR (retinitis pigmentosa GTPase regulator; minus strand). Cytogenetic location: Xp11.4.
Variant type: Microsatellite.
Coding change: c.2923_2924insGAAAGGGG on transcript NM_001034853.2 (MANE Select); coding-DNA positions 2923 to 2924, GAAAGGGG inserted.
Protein change: p.Glu975fs; shifts the reading frame from glutamic acid 975.
Molecular consequence: frameshift variant. On other transcripts: intron variant (8).
Genome position: GRCh38 VCF-style: chrX-38286075-T-TCCCCTTTC. GRCh37 (hg19) VCF-style: chrX-38145328-T-TCCCCTTTC.
Other names: NM_001034853.2:c.2923_2924insGAAAGGGG; c.1569+4883_1569+4884insAAGGGGGA (NM_001367249.1, NM_001367250.1); c.1902+1018_1902+1019insAAGGGGGA (NM_001367245.1); c.1386+4883_1386+4884insAAGGGGGA (NM_001367251.1); c.1719+1018_1719+1019insAAGGGGGA (NM_001367246.1); c.1572+4883_1572+4884insAAGGGGGA (NM_001367247.1); c.1905+1018_1905+1019insAAGGGGGA (NM_000328.3); c.1602+4883_1602+4884insAAGGGGGA (NM_001367248.1); short protein forms E975fs.
Identifiers: ClinVar variation 4976908 (VCV004976908.1).